The following is an entry in ClinVar:

ClinVar aggregate classification (germline): Pathogenic (1 of 4 stars; one submission).

Conditions:
GLUT1 deficiency syndrome 1, autosomal recessive. Identifiers: MedGen C3149117.

Submission:

Labcorp Genetics (formerly Invitae), Labcorp
Classification: Pathogenic for GLUT1 deficiency syndrome 1, autosomal recessive. Last evaluated: 2024-06-05. Review status: criteria provided, single submitter. Criteria: Invitae Variant Classification Sherloc (09022015). Collection method: clinical testing. Allele origin: germline.
Comment: This sequence change replaces methionine, which is neutral and non-polar, with arginine, which is basic and polar, at codon 351 of the SLC2A1 protein (p.Met351Arg). This variant is not present in population databases (gnomAD no frequency). This missense change has been observed in individual(s) with clinical features of GLUT1-deficiency syndrome (Invitae). In at least one individual the variant was observed to be de novo. Advanced modeling of protein sequence and biophysical properties (such as structural, functional, and spatial information, amino acid conservation, physicochemical variation, residue mobility, and thermodynamic stability) performed at Invitae indicates that this missense variant is expected to disrupt SLC2A1 protein function with a positive predictive value of 95%. For these reasons, this variant has been classified as Pathogenic.

NM_006516.4(SLC2A1):c.1052T>G (p.Met351Arg)

Gene: SLC2A1 (solute carrier family 2 member 1; minus strand). Cytogenetic location: 1p34.2.
Variant type: single nucleotide variant.
Coding change: c.1052T>G on transcript NM_006516.4 (MANE Select); coding-DNA position 1052, T replaced by G.
Protein change: p.Met351Arg; replaces methionine 351 with arginine.
Molecular consequence: missense variant.
Genome position (GRCh38, 1-based): chr1:42,928,954, A>C on the plus strand (T>G on the coding strand, the complement: SLC2A1 is on the minus strand). VCF-style: chr1-42928954-A-C. GRCh37 (hg19) VCF-style: chr1-43394625-A-C.
Other names: short protein forms M351R.
Identifiers: ClinVar variation 2855620 (VCV002855620.3), dbSNP rs2524988522, ClinGen allele CA339955610.